The following is an entry in ClinVar:

ClinVar aggregate classification (germline): Likely benign. Review status: criteria provided, multiple submitters, no conflicts (2 of 4 stars). 3 submissions from 3 submitters: Likely benign (3). Last evaluated 2025-09-07.

Conditions:
Cardiovascular phenotype. Identifiers: MedGen CN230736.
Hereditary cancer-predisposing syndrome. Also called: Neoplastic Syndromes, Hereditary; Tumor predisposition; Hereditary Cancer Syndrome; Hereditary neoplastic syndrome. Identifiers: Orphanet 140162, MedGen C0027672, MeSH D009386, MONDO:0015356.
Neurofibromatosis, type 1 (NF1). Also called: NEUROFIBROMATOSIS, TYPE I, SOMATIC; Peripheral type neurofibromatosis; Neurofibromatosis, type I; VON RECKLINGHAUSEN DISEASE. Identifiers: Orphanet 636, MedGen C0027831, MONDO:0018975, OMIM 162200. Disease mechanism: loss of function.

Allele frequency attached by ClinVar (database versions not stated): TOPMed below 0.00001; gnomAD exomes 0.00001.
gnomAD v4.1: 15 of 1,604,278 alleles (0.00094%); highest among the groups gnomAD compares: Non-Finnish European, 0.0013%; no homozygotes.

Submissions (3):

Labcorp Genetics (formerly Invitae), Labcorp
Classification: Likely benign for Neurofibromatosis, type 1. Last evaluated: 2025-09-07. Review status: criteria provided, single submitter. Criteria: Invitae Variant Classification Sherloc (09022015). Collection method: clinical testing. Allele origin: germline.

Ambry Genetics
Classification: Likely benign for Cardiovascular phenotype; Hereditary cancer-predisposing syndrome. Last evaluated: 2024-12-03. Review status: criteria provided, single submitter. Criteria: Ambry Variant Classification Scheme 2023. Collection method: clinical testing. Allele origin: germline.

GeneDx
Classification: Likely benign. Last evaluated: 2018-02-26. Review status: criteria provided, single submitter. Criteria: GeneDx Variant Classification (06012015). Collection method: clinical testing. Allele origin: germline. Affected: yes.
Comment: This variant is considered likely benign or benign based on one or more of the following criteria: it is a conservative change, it occurs at a poorly conserved position in the protein, it is predicted to be benign by multiple in silico algorithms, and/or has population frequency not consistent with disease.

NM_001042492.3(NF1):c.4725-3T>C

Gene: NF1 (neurofibromin 1; plus strand). Cytogenetic location: 17q11.2.
Variant type: single nucleotide variant.
Coding change: c.4725-3T>C on transcript NM_001042492.3 (MANE Select); 3 bases into the intron before coding-DNA position 4725, T replaced by C.
Molecular consequence: intron variant.
Genome position (GRCh38, 1-based): chr17:31,265,226, T>C. VCF-style: chr17-31265226-T-C. GRCh37 (hg19) VCF-style: chr17-29592244-T-C.
Other names: c.4662-3T>C (NM_000267.4).
Identifiers: ClinVar variation 515863 (VCV000515863.11), dbSNP rs892441625, ClinGen allele CA289354969.